The following is an entry in ClinVar:

NM_201384.3(PLEC):c.12898C>T (p.Arg4300Trp)

Gene: PLEC (plectin; minus strand). Cytogenetic location: 8q24.3.
Variant type: single nucleotide variant.
Coding change: c.12898C>T on transcript NM_201384.3 (MANE Select); coding-DNA position 12898, C replaced by T.
Protein change: p.Arg4300Trp; replaces arginine 4300 with tryptophan.
Molecular consequence: missense variant.
Genome position (GRCh38, 1-based): chr8:143,916,923, G>A on the plus strand (C>T on the coding strand, the complement: PLEC is on the minus strand). VCF-style: chr8-143916923-G-A. GRCh37 (hg19) VCF-style: chr8-144991091-G-A.
Other names: c.12979C>T, p.Arg4327Trp (NM_000445.5); c.12856C>T, p.Arg4286Trp (NM_201378.4); c.12832C>T, p.Arg4278Trp (NM_201379.3); c.13309C>T, p.Arg4437Trp (NM_201380.4); c.12802C>T, p.Arg4268Trp (NM_201381.3); c.12898C>T, p.Arg4300Trp (NM_201382.4); c.12910C>T, p.Arg4304Trp (NM_201383.3); c.12979C>T (NM_000445.3); short protein forms R4437W, R4268W, R4300W, R4286W, R4304W, R4278W, R4327W.
Identifiers: ClinVar variation 934830 (VCV000934830.5), dbSNP rs782022985, ClinGen allele CA4923955.

ClinVar aggregate classification (germline): Uncertain significance. Review status: criteria provided, multiple submitters, no conflicts (2 of 4 stars). 2 submissions from 2 submitters: Uncertain significance (2). Last evaluated 2024-09-18.

Conditions:
Inborn genetic diseases. Identifiers: MedGen C0950123, MeSH D030342.
Epidermolysis bullosa simplex 5B, with muscular dystrophy (EBS5B). Also called: EPIDERMOLYSIS BULLOSA SIMPLEX AND LIMB-GIRDLE MUSCULAR DYSTROPHY; Epidermolysis bullosa simplex with muscular dystrophy. Identifiers: Orphanet 257, MedGen C2931072, MONDO:0009181, OMIM 226670.
Epidermolysis bullosa simplex, Ogna type (EBS5A). Also called: Pidermolysis bullosa simplex 5A, Ogna type; EPIDERMOLYSIS BULLOSA SIMPLEX 5A, OGNA TYPE. Identifiers: Orphanet 79401, MedGen C0432317, MONDO:0007555, OMIM 131950.
Epidermolysis bullosa simplex 5C, with pyloric atresia (EBS5C). Also called: Epidermolysis bullosa simplex with pyloric atresia; PLEC-Related Epidermolysis Bullosa with Pyloric Atresia; PLEC1-Related Epidermolysis Bullosa with Pyloric Atresia. Identifiers: Orphanet 158684, MedGen C2677349, MONDO:0012807, OMIM 612138.
Epidermolysis bullosa simplex with nail dystrophy (EBS5D). Identifiers: MedGen C4225309, MONDO:0014661, OMIM 616487.
Autosomal recessive limb-girdle muscular dystrophy type 2Q (LGMDR17). Also called: MUSCULAR DYSTROPHY, LIMB-GIRDLE, AUTOSOMAL RECESSIVE 17. Identifiers: Orphanet 254361, MedGen C3150989, MONDO:0013390, OMIM 613723.

Allele frequency attached by ClinVar (database versions not stated): ExAC 0.00001; gnomAD 0.00001; gnomAD exomes 0.00001; TOPMed 0.00001.
gnomAD v4.1: 15 of 1,612,722 alleles (0.00093%); highest among the groups gnomAD compares: Admixed American, 0.005%; no homozygotes.

Submissions (2):

Labcorp Genetics (formerly Invitae), Labcorp
Classification: Uncertain significance for Autosomal recessive limb-girdle muscular dystrophy type 2Q; Epidermolysis bullosa simplex, Ogna type; Epidermolysis bullosa simplex with nail dystrophy; Epidermolysis bullosa simplex 5C, with pyloric atresia; Epidermolysis bullosa simplex 5B, with muscular dystrophy. Last evaluated: 2024-09-18. Review status: criteria provided, single submitter. Criteria: Invitae Variant Classification Sherloc (09022015). Collection method: clinical testing. Allele origin: germline.
Comment: This sequence change replaces arginine, which is basic and polar, with tryptophan, which is neutral and slightly polar, at codon 4327 of the PLEC protein (p.Arg4327Trp). This variant is present in population databases (rs782022985, gnomAD 0.009%). This variant has not been reported in the literature in individuals affected with PLEC-related conditions. ClinVar contains an entry for this variant (Variation ID: 934830). Invitae Evidence Modeling of protein sequence and biophysical properties (such as structural, functional, and spatial information, amino acid conservation, physicochemical variation, residue mobility, and thermodynamic stability) indicates that this missense variant is not expected to disrupt PLEC protein function with a negative predictive value of 80%. In summary, the available evidence is currently insufficient to determine the role of this variant in disease. Therefore, it has been classified as a Variant of Uncertain Significance.

Ambry Genetics
Classification: Uncertain significance for Inborn genetic diseases. Last evaluated: 2024-06-17. Review status: criteria provided, single submitter. Criteria: Ambry Variant Classification Scheme 2023. Collection method: clinical testing. Allele origin: germline.